The following is an entry in ClinVar:

NM_006231.4(POLE):c.56C>G (p.Ala19Gly)

Genes: POLE (DNA polymerase epsilon, catalytic subunit; minus strand), LOC130009266 (ATAC-STARR-seq lymphoblastoid silent region 5123; plus strand). Cytogenetic location: 12q24.33.
Variant type: single nucleotide variant.
Coding change: c.56C>G on transcript NM_006231.4 (MANE Select); coding-DNA position 56, C replaced by G.
Protein change: p.Ala19Gly; replaces alanine 19 with glycine.
Molecular consequence: missense variant.
Genome position (GRCh38, 1-based): chr12:132,687,260, G>C on the plus strand (C>G on the coding strand, the complement: POLE is on the minus strand). VCF-style: chr12-132687260-G-C. GRCh37 (hg19) VCF-style: chr12-133263846-G-C.
Other names: short protein forms A19G.
Identifiers: ClinVar variation 3781500 (VCV003781500.1).
Genomic context (GRCh38, chr12:132,687,260, plus strand): 5'-CCCATGGCACCCTCCGGAGGGCCGGCCCGAGAGCCTCAGGAGGGCGCCCCTCACCTGCTG[G>C]CCTCGCCATCCGCGCCTGGGTCCGCGCGCCGCCGCCCGCCGCTCCTCAGAGACATGGAGC-3'
Protein context (NP_006222.2, residues 9-29): RRADPGADGE[Ala19Gly]SRDDGATSSV

ClinVar aggregate classification (germline): Uncertain significance (1 of 4 stars; one submission).

Conditions:
Hereditary cancer-predisposing syndrome. Also called: Neoplastic Syndromes, Hereditary; Hereditary Cancer Syndrome; Tumor predisposition; Hereditary neoplastic syndrome. Identifiers: Orphanet 140162, MedGen C0027672, MeSH D009386, MONDO:0015356.

Submission:

Ambry Genetics
Classification: Uncertain significance for Hereditary cancer-predisposing syndrome. Last evaluated: 2025-02-08. Review status: criteria provided, single submitter. Criteria: Ambry Variant Classification Scheme 2023. Collection method: clinical testing. Allele origin: germline.
Comment: The p.A19G variant (also known as c.56C>G), located in coding exon 1 of the POLE gene, results from a C to G substitution at nucleotide position 56. The alanine at codon 19 is replaced by glycine, an amino acid with similar properties. This amino acid position is conserved. In addition, this alteration is predicted to be tolerated by in silico analysis. Based on the available evidence, the clinical significance of this variant remains unclear.